The following is an entry in ClinVar:

NM_130837.3(OPA1):c.2880A>G (p.Arg960=)

Gene: OPA1 (OPA1 mitochondrial dynamin like GTPase; plus strand). Cytogenetic location: 3q29.
Variant type: single nucleotide variant.
Coding change: c.2880A>G on transcript NM_130837.3 (MANE Select); coding-DNA position 2880, A replaced by G.
Protein change: p.Arg960=; no amino-acid change (arginine 960 retained).
Molecular consequence: synonymous variant.
Genome position (GRCh38, 1-based): chr3:193,667,177, A>G. VCF-style: chr3-193667177-A-G. GRCh37 (hg19) VCF-style: chr3-193384966-A-G.
Other names: p.R905R:CGA>CGG; c.2346A>G, p.Arg782= (NM_001354663.2); c.2343A>G, p.Arg781= (NM_001354664.2); c.2715A>G, p.Arg905= (NM_015560.3); c.2607A>G, p.Arg869= (NM_130831.3); c.2661A>G, p.Arg887= (NM_130832.3); c.2718A>G, p.Arg906= (NM_130833.3); c.2769A>G, p.Arg923= (NM_130834.3); and 2 more.
Identifiers: ClinVar variation 138570 (VCV000138570.21), dbSNP rs144898877, ClinGen allele CA292630.
Genomic context (GRCh38, chr3:193,667,177, plus strand): 5'-TTATTCATTTATAAAAACGATGCTCCTCAGGTTTTTTAACTTTCTTTAAACAGTTAGGCG[A>G]TTAGAGAAAAATGTTAAAGAGGTATTGGAAGATTTTGCTGAAGATGGTGAGAAGAAGATT-3'
Protein context (NP_570850.2, residues 950-970): RQQLTNTEVR[Arg960=]LEKNVKEVLE

ClinVar aggregate classification (germline): Benign/Likely benign. Review status: criteria provided, multiple submitters, no conflicts (2 of 4 stars). 7 submissions from 7 submitters: Benign (3); Likely benign (3). 1 of the submissions does not count toward it. Last evaluated 2026-02-01.

Conditions:
Autosomal dominant optic atrophy classic form (OPA1). Also called: Optic Atrophy Type 1; KJER-TYPE OPTIC ATROPHY; OPTIC ATROPHY, JUVENILE. Identifiers: Orphanet 98673, MedGen C0338508, MONDO:0008134, OMIM 165500.

Allele frequency attached by ClinVar (database versions not stated): ExAC 0.00047; gnomAD exomes 0.00062; gnomAD 0.00107 and 0.00109; ESP Exome Variant Server 0.00108; TOPMed 0.00130; 1000 Genomes Project 30x 0.00172; 1000 Genomes Project 0.00200.
gnomAD v4.1: 621 of 1,536,586 alleles (0.04%); highest among the groups gnomAD compares: African/African-American, 0.22%; no homozygotes.

Submissions (8):

Labcorp Genetics (formerly Invitae), Labcorp
Classification: Benign. Last evaluated: 2026-02-01. Review status: criteria provided, single submitter. Criteria: Invitae Variant Classification Sherloc (09022015). Collection method: clinical testing. Allele origin: germline.

Blueprint Genetics
Classification: Likely benign. Last evaluated: 2024-07-30. Review status: criteria provided, single submitter. Criteria: ACMG Guidelines, 2015. Collection method: clinical testing. Allele origin: germline.

Illumina Laboratory Services, Illumina
Classification: Benign for Autosomal dominant optic atrophy classic form. Last evaluated: 2018-01-12. Review status: criteria provided, single submitter. Criteria: ICSL Variant Classification Criteria 13 December 2019. Collection method: clinical testing. Allele origin: germline.
Comment: This variant was observed in the ICSL laboratory as part of a predisposition screen in an ostensibly healthy population. It had not been previously curated by ICSL or reported in the Human Gene Mutation Database (HGMD: prior to June 1st, 2018), and was therefore a candidate for classification through an automated scoring system. Utilizing variant allele frequency, disease prevalence and penetrance estimates, and inheritance mode, an automated score was calculated to assess if this variant is too frequent to cause the disease. Based on the score and internal cut-off values, a variant classified as benign is not then subjected to further curation. The score for this variant resulted in a classification of benign for this disease.

GeneDx
Classification: Benign. Last evaluated: 2013-12-26. Review status: criteria provided, single submitter. Criteria: GeneDx Variant Classification (06012015). Collection method: clinical testing. Allele origin: germline. Affected: yes.
Comment: This variant is considered likely benign or benign based on one or more of the following criteria: it is a conservative change, it occurs at a poorly conserved position in the protein, it is predicted to be benign by multiple in silico algorithms, and/or has population frequency not consistent with disease.

Breakthrough Genomics
Classification: Likely benign. Review status: criteria provided, single submitter. Criteria: ACMG Guidelines, 2015. Collection method: not provided. Allele origin: germline. Inheritance: Autosomal recessive inheritance. Affected: yes.

PreventionGenetics, part of Exact Sciences
Classification: Likely benign. Review status: criteria provided, single submitter. Criteria: ACMG Guidelines, 2015. Collection method: clinical testing. Allele origin: germline.

Mayo Clinic Laboratories, Mayo Clinic
Classification: Likely benign. Last evaluated: 2016-02-29. Review status: no assertion criteria provided. Collection method: clinical testing. Allele origin: unknown. Not counted in ClinVar's aggregate classification.

Dr. Peter K. Rogan Lab, Western University
No classification provided (evidence only). Condition: Melanoma. Review status: no classification provided. Collection method: in vitro. Allele origin: not applicable. Functional consequence: retained intron. Not counted in ClinVar's aggregate classification.